The following is an entry in ClinVar:

NM_000321.3(RB1):c.2663+33C>T

Gene: RB1 (RB transcriptional corepressor 1; plus strand). Cytogenetic location: 13q14.2.
Variant type: single nucleotide variant.
Coding change: c.2663+33C>T on transcript NM_000321.3 (MANE Select); 33 bases into the intron after coding-DNA position 2663, C replaced by T.
Molecular consequence: intron variant.
Genome position (GRCh38, 1-based): chr13:48,476,876, C>T. VCF-style: chr13-48476876-C-T. GRCh37 (hg19) VCF-style: chr13-49051012-C-T.
Identifiers: ClinVar variation 255823 (VCV000255823.8), dbSNP rs3020646, ClinGen allele CA036765.

ClinVar aggregate classification (germline): Benign. Review status: criteria provided, multiple submitters, no conflicts (2 of 4 stars). 5 submissions from 5 submitters: Benign (5). Last evaluated 2025-09-17.

Conditions:
Hereditary retinoblastoma. Identifiers: Orphanet 357027, MedGen C0751483, MONDO:0018160.
Retinoblastoma (RB1). Also called: RETINOBLASTOMA, SOMATIC. Identifiers: Orphanet 790, MedGen C0035335, MeSH D012175, MONDO:0008380, OMIM 180200, HP:0009919. Disease mechanism: loss of function. Inheritance: Both sporadic and heritable forms are tested..

Allele frequency attached by ClinVar (database versions not stated): 1000 Genomes Project 30x 0.88086; 1000 Genomes Project 0.88498; TOPMed 0.89556; ESP Exome Variant Server 0.89582; gnomAD 0.90292 and 0.90680; ExAC 0.95521; gnomAD exomes 0.95844 and 0.97703.
gnomAD v4.1: 1,561,263 of 1,609,814 alleles (97%); highest among the groups gnomAD compares: East Asian, 100%; 759,894 homozygotes.

Submissions (5):

Ramesar Group, Division of Human Genetics, Institute of Infectious Diseases and Molecular Medicine, UCT/MRC Genomic and Precision Medicine Research Unit, University of Cape Town
Classification: Benign for Hereditary retinoblastoma. Last evaluated: 2025-09-17. Review status: criteria provided, single submitter. Criteria: ACMG Guidelines, 2015. Collection method: research. Allele origin: germline. Affected: no.
Comment: BA1 - This variant is common in the general population (gnomAD), and is present in 77 individuals in our in-house control cohort (96%) BP5 - Variant found in a patient with a different retinal disease; RB1 is not associated with the phenotype BP6 - Reported as benign in ClinVar BP7 - A non-coding variant with no predicted effect on splicing (SpliceAI scores are negligible)

Genome-Nilou Lab
Classification: Benign for Retinoblastoma. Last evaluated: 2021-11-07. Review status: criteria provided, single submitter. Criteria: ACMG Guidelines, 2015. Collection method: clinical testing. Allele origin: germline. Affected: no.

GeneDx
Classification: Benign. Last evaluated: 2018-06-23. Review status: criteria provided, single submitter. Criteria: GeneDx Variant Classification Process June 2021. Collection method: clinical testing. Allele origin: germline. Affected: yes.

Breakthrough Genomics
Classification: Benign. Review status: criteria provided, single submitter. Criteria: ACMG Guidelines, 2015. Collection method: not provided. Allele origin: germline. Inheritance: Autosomal dominant inheritance. Affected: yes.

PreventionGenetics, part of Exact Sciences
Classification: Benign. Review status: criteria provided, single submitter. Criteria: ACMG Guidelines, 2015. Collection method: clinical testing. Allele origin: germline.